The following is an entry in ClinVar:

ClinVar aggregate classification (germline): Uncertain significance (1 of 4 stars; one submission).

Submission:

Labcorp Genetics (formerly Invitae), Labcorp
Classification: Uncertain significance. Last evaluated: 2023-08-20. Review status: criteria provided, single submitter. Criteria: Invitae Variant Classification Sherloc (09022015). Collection method: clinical testing. Allele origin: unknown.
Comment: In summary, the available evidence is currently insufficient to determine the role of this variant in disease. Therefore, it has been classified as a Variant of Uncertain Significance. Experimental studies and prediction algorithms are not available or were not evaluated, and the functional significance of this variant is currently unknown. This variant has not been reported in the literature in individuals affected with DOCK8-related conditions. This variant results in a copy number gain of the genomic region encompassing exon(s) 8-33 of the DOCK8 gene. While the exact position of this variant cannot be determined from the data, sub-genic copy number gains are generally in tandem (PMID: 25640679). This variant is predicted to be in-frame, and likely preserves the integrity of the reading frame.

Literature cited by the submitters: PubMed 25640679.

NC_000009.11:g.(?_325651)_(422155_?)dup

Gene: DOCK8 (dedicator of cytokinesis 8; plus strand). Cytogenetic location: 9p24.3.
Variant type: Duplication.
Identifiers: ClinVar variation 3245231 (VCV003245231.1).